The following is an entry in ClinVar:

ClinVar aggregate classification (germline): Pathogenic (1 of 4 stars; one submission).

Conditions:
Kabuki syndrome. Also called: NIIKAWA-KUROKI SYNDROME; Kabuki make-up syndrome. Identifiers: Orphanet 2322, MedGen C0796004, MONDO:0016512.

Submission:

Labcorp Genetics (formerly Invitae), Labcorp
Classification: Pathogenic for Kabuki syndrome. Last evaluated: 2024-04-10. Review status: criteria provided, single submitter. Criteria: Invitae Variant Classification Sherloc (09022015). Collection method: clinical testing. Allele origin: germline.
Comment: This sequence change creates a premature translational stop signal (p.Ala2855Glyfs*55) in the KMT2D gene. It is expected to result in an absent or disrupted protein product. Loss-of-function variants in KMT2D are known to be pathogenic (PMID: 22126750). This variant is not present in population databases (gnomAD no frequency). This variant has not been reported in the literature in individuals affected with KMT2D-related conditions. ClinVar contains an entry for this variant (Variation ID: 1401455). For these reasons, this variant has been classified as Pathogenic.

Literature cited by the submitters: PubMed 22126750.

NM_003482.4(KMT2D):c.8564del (p.Ala2855fs)

Gene: KMT2D (lysine methyltransferase 2D; minus strand). Cytogenetic location: 12q13.12.
Variant type: Deletion.
Coding change: c.8564del on transcript NM_003482.4 (MANE Select); coding-DNA position 8564, one base deleted (C; older notation c.8564delC).
Protein change: p.Ala2855fs; shifts the reading frame from alanine 2855.
Molecular consequence: frameshift variant.
Genome position (GRCh38, 1-based): chr12:49,038,792, G deleted on the plus strand (C on the coding strand, the reverse complement: KMT2D is on the minus strand). VCF-style (leftmost placement, unchanged base first): chr12-49038791-CG-C. GRCh37 (hg19) VCF-style: chr12-49432574-CG-C.
Other names: short protein forms A2855fs.
Identifiers: ClinVar variation 1401455 (VCV001401455.6), dbSNP rs2120504102, ClinGen allele CA2573148654.